The following is an entry in ClinVar:

NM_013432.5(TONSL):c.1961G>A (p.Arg654Gln)

Genes: TONSL (tonsoku like, DNA repair protein; minus strand), TONSL-AS1 (TONSL antisense RNA 1; plus strand). Cytogenetic location: 8q24.3.
Variant type: single nucleotide variant.
Coding change: c.1961G>A on transcript NM_013432.5 (MANE Select); coding-DNA position 1961, G replaced by A.
Protein change: p.Arg654Gln; replaces arginine 654 with glutamine.
Molecular consequence: missense variant.
Genome position (GRCh38, 1-based): chr8:144,436,611, C>T on the plus strand (G>A on the coding strand, the complement: TONSL is on the minus strand). VCF-style: chr8-144436611-C-T. GRCh37 (hg19) VCF-style: chr8-145661994-C-T.
Other names: c.1961G>A (NM_013432.4); short protein forms R654Q.
Identifiers: ClinVar variation 1434265 (VCV001434265.5), dbSNP rs201022667, ClinGen allele CA4942981.

ClinVar aggregate classification (germline): Uncertain significance. Review status: criteria provided, multiple submitters, no conflicts (2 of 4 stars). 3 submissions from 3 submitters: Uncertain significance (3). Last evaluated 2026-09-03.

Conditions:
Inborn genetic diseases. Identifiers: MedGen C0950123, MeSH D030342.
TONSL-related disorder. Also called: TONSL-related condition.

Allele frequency attached by ClinVar (database versions not stated): gnomAD exomes 0.00003; ExAC 0.00007; gnomAD 0.00010 and 0.00012; TOPMed 0.00014; ESP Exome Variant Server 0.00015; 1000 Genomes Project 0.00060; 1000 Genomes Project 30x 0.00078.
gnomAD v4.1: 56 of 1,611,904 alleles (0.0035%); highest among the groups gnomAD compares: African/African-American, 0.027%; 1 homozygote.

Submissions (3):

PreventionGenetics, part of Exact Sciences
Classification: Uncertain significance for TONSL-related condition. Last evaluated: 2026-09-03. Review status: criteria provided, single submitter. Criteria: ACMG Guidelines, 2015. Collection method: clinical testing. Allele origin: germline.
Comment: The TONSL c.1961G>A variant is predicted to result in the amino acid substitution p.Arg654Gln. To our knowledge, this variant has not been reported in the literature. This variant is reported in 0.036% of alleles in individuals of African descent in gnomAD. At this time, the clinical significance of this variant is uncertain due to the absence of conclusive functional and genetic evidence.

Ambry Genetics
Classification: Uncertain significance for Inborn genetic diseases. Last evaluated: 2025-10-06. Review status: criteria provided, single submitter. Criteria: Ambry Variant Classification Scheme 2023. Collection method: clinical testing. Allele origin: germline.

Labcorp Genetics (formerly Invitae), Labcorp
Classification: Uncertain significance. Last evaluated: 2021-12-10. Review status: criteria provided, single submitter. Criteria: Invitae Variant Classification Sherloc (09022015). Collection method: clinical testing. Allele origin: germline.
Comment: This sequence change replaces arginine, which is basic and polar, with glutamine, which is neutral and polar, at codon 654 of the TONSL protein (p.Arg654Gln). This variant is present in population databases (rs201022667, gnomAD 0.03%). This variant has not been reported in the literature in individuals affected with TONSL-related conditions. Algorithms developed to predict the effect of missense changes on protein structure and function output the following: SIFT: "Tolerated"; PolyPhen-2: "Benign"; Align-GVGD: "Class C0". The glutamine amino acid residue is found in multiple mammalian species, which suggests that this missense change does not adversely affect protein function. In summary, the available evidence is currently insufficient to determine the role of this variant in disease. Therefore, it has been classified as a Variant of Uncertain Significance.